The following is an entry in ClinVar:

NM_006767.4(LZTR1):c.172C>T (p.Pro58Ser)

Gene: LZTR1 (leucine zipper like post translational regulator 1; plus strand). Cytogenetic location: 22q11.21.
Variant type: single nucleotide variant.
Coding change: c.172C>T on transcript NM_006767.4 (MANE Select); coding-DNA position 172, C replaced by T.
Protein change: p.Pro58Ser; replaces proline 58 with serine.
Molecular consequence: missense variant.
Genome position (GRCh38, 1-based): chr22:20,982,543, C>T. VCF-style: chr22-20982543-C-T. GRCh37 (hg19) VCF-style: chr22-21336832-C-T.
Other names: short protein forms P58S.
Identifiers: ClinVar variation 3725972 (VCV003725972.2).

ClinVar aggregate classification (germline): Uncertain significance (1 of 4 stars; one submission).

Submission:

Labcorp Genetics (formerly Invitae), Labcorp
Classification: Uncertain significance. Last evaluated: 2024-10-30. Review status: criteria provided, single submitter. Criteria: Invitae Variant Classification Sherloc (09022015). Collection method: clinical testing. Allele origin: germline.
Comment: This sequence change replaces proline, which is neutral and non-polar, with serine, which is neutral and polar, at codon 58 of the LZTR1 protein (p.Pro58Ser). This variant is not present in population databases (gnomAD no frequency). This variant has not been reported in the literature in individuals affected with LZTR1-related conditions. Invitae Evidence Modeling of protein sequence and biophysical properties (such as structural, functional, and spatial information, amino acid conservation, physicochemical variation, residue mobility, and thermodynamic stability) indicates that this missense variant is not expected to disrupt LZTR1 protein function with a negative predictive value of 80%. In summary, the available evidence is currently insufficient to determine the role of this variant in disease. Therefore, it has been classified as a Variant of Uncertain Significance.